The following is an entry in ClinVar:

NM_001814.6(CTSC):c.239A>G (p.Asn80Ser)

Gene: CTSC (cathepsin C; minus strand). Cytogenetic location: 11q14.2.
Variant type: single nucleotide variant.
Coding change: c.239A>G on transcript NM_001814.6 (MANE Select); coding-DNA position 239, A replaced by G.
Protein change: p.Asn80Ser; replaces asparagine 80 with serine.
Molecular consequence: missense variant.
Genome position (GRCh38, 1-based): chr11:88,335,016, T>C on the plus strand (A>G on the coding strand, the complement: CTSC is on the minus strand). VCF-style: chr11-88335016-T-C. GRCh37 (hg19) VCF-style: chr11-88068184-T-C.
Other names: c.239A>G, p.Asn80Ser (NM_001114173.3, NM_148170.5); short protein forms N80S.
Identifiers: ClinVar variation 1990103 (VCV001990103.4), dbSNP rs1015925457, ClinGen allele CA382029931.
Genomic context (GRCh38, chr11:88,335,016, plus strand): 5'-TTGTAGTCATTCAACACAATCTCAAAGCCTTGGTTGTAAATGATGGTGAAATGGCCAGAA[T>C]TGCCAAGGTCATCATATGCTGTATCCAGCTTCTGAAGGTACACCACTACTTTTTTTTCTT-3'
Protein context (NP_001805.4, residues 70-90): KLDTAYDDLG[Asn80Ser]SGHFTIIYNQ

ClinVar aggregate classification (germline): Uncertain significance (1 of 4 stars; one submission).

Conditions:
Periodontitis, aggressive. Identifiers: MedGen C0031106, MONDO:0980757.
Haim-Munk syndrome (HMS). Also called: COCHIN JEWISH DISORDER; KERATOSIS PALMOPLANTARIS WITH PERIODONTOPATHIA AND ONYCHOGRYPOSIS. Identifiers: Orphanet 2342, MedGen C1855627, MONDO:0009491, OMIM 245010.
Papillon-Lefèvre syndrome (PALS). Also called: KERATOSIS PALMOPLANTARIS WITH PERIODONTOPATHIA; Papillon-Lefevre Disease. Identifiers: Orphanet 678, MedGen C0030360, MONDO:0009490, OMIM 245000.

gnomAD v4.1: 2 of 1,608,486 alleles (0.00012%); highest among the groups gnomAD compares: African/African-American, 0.0013%; no homozygotes.

Submission:

Labcorp Genetics (formerly Invitae), Labcorp
Classification: Uncertain significance for Haim-Munk syndrome; Periodontitis, aggressive; Papillon-Lefèvre syndrome. Last evaluated: 2024-02-19. Review status: criteria provided, single submitter. Criteria: Invitae Variant Classification Sherloc (09022015). Collection method: clinical testing. Allele origin: germline.
Comment: This sequence change replaces asparagine, which is neutral and polar, with serine, which is neutral and polar, at codon 80 of the CTSC protein (p.Asn80Ser). This variant is not present in population databases (gnomAD no frequency). This variant has not been reported in the literature in individuals affected with CTSC-related conditions. ClinVar contains an entry for this variant (Variation ID: 1990103). Advanced modeling of protein sequence and biophysical properties (such as structural, functional, and spatial information, amino acid conservation, physicochemical variation, residue mobility, and thermodynamic stability) performed at Invitae indicates that this missense variant is not expected to disrupt CTSC protein function with a negative predictive value of 80%. In summary, the available evidence is currently insufficient to determine the role of this variant in disease. Therefore, it has been classified as a Variant of Uncertain Significance.